The following is an entry in ClinVar:

ClinVar aggregate classification (germline): Uncertain significance (1 of 4 stars; one submission).

Conditions:
Charcot-Marie-Tooth disease type 2R. Also called: CHARCOT-MARIE-TOOTH DISEASE, AXONAL, AUTOSOMAL RECESSIVE, TYPE 2R; Charcot-Marie-Tooth disease, axonal, type 2R; CHARCOT-MARIE-TOOTH NEUROPATHY, TYPE 2R. Identifiers: Orphanet 397968, MedGen C3809655, MONDO:0014208, OMIM 615490.

Submission:

Labcorp Genetics (formerly Invitae), Labcorp
Classification: Uncertain significance for Charcot-Marie-Tooth disease type 2R. Last evaluated: 2023-05-10. Review status: criteria provided, single submitter. Criteria: Invitae Variant Classification Sherloc (09022015). Collection method: clinical testing. Allele origin: germline.
Comment: In summary, the available evidence is currently insufficient to determine the role of this variant in disease. Therefore, it has been classified as a Variant of Uncertain Significance. An algorithm developed to predict the effect of missense changes on protein structure and function (PolyPhen-2) suggests that this variant is likely to be disruptive. This variant has not been reported in the literature in individuals affected with TRIM2-related conditions. This variant is not present in population databases (gnomAD no frequency). This sequence change replaces glycine, which is neutral and non-polar, with glutamic acid, which is acidic and polar, at codon 379 of the TRIM2 protein (p.Gly379Glu).

NM_015271.5(TRIM2):c.1217G>A (p.Gly406Glu)

Gene: TRIM2 (tripartite motif containing 2; plus strand). Cytogenetic location: 4q31.3.
Variant type: single nucleotide variant.
Coding change: c.1217G>A on transcript NM_015271.5 (MANE Select); coding-DNA position 1217, G replaced by A.
Protein change: p.Gly406Glu; replaces glycine 406 with glutamic acid.
Molecular consequence: missense variant.
Genome position (GRCh38, 1-based): chr4:153,295,743, G>A. VCF-style: chr4-153295743-G-A. GRCh37 (hg19) VCF-style: chr4-154216895-G-A.
Other names: c.1136G>A, p.Gly379Glu (NM_001130067.2, NM_001351056.2, NM_001375512.1 and 5 more transcripts); c.1190G>A, p.Gly397Glu (NM_001351054.2); c.1187G>A, p.Gly396Glu (NM_001351055.2); c.761G>A, p.Gly254Glu (NM_001351057.2); c.1310G>A, p.Gly437Glu (NM_001375488.1); c.1307G>A, p.Gly436Glu (NM_001375489.1); c.1160G>A, p.Gly387Glu (NM_001375490.1); c.1157G>A, p.Gly386Glu (NM_001375491.1); and 3 more; short protein forms G293E, G387E, G436E, G294E, G295E, G397E, G406E, G386E.
Identifiers: ClinVar variation 2862990 (VCV002862990.3), dbSNP rs759021396, ClinGen allele CA358473218.